The following is an entry in ClinVar:

NM_002499.4(NEO1):c.2676C>T (p.Thr892=)

Gene: NEO1 (neogenin 1; plus strand). Cytogenetic location: 15q24.1.
Variant type: single nucleotide variant.
Coding change: c.2676C>T on transcript NM_002499.4 (MANE Select); coding-DNA position 2676, C replaced by T.
Protein change: p.Thr892=; no amino-acid change (threonine 892 retained).
Molecular consequence: synonymous variant.
Genome position (GRCh38, 1-based): chr15:73,270,191, C>T. VCF-style: chr15-73270191-C-T. GRCh37 (hg19) VCF-style: chr15-73562532-C-T.
Other names: c.2676C>T, p.Thr892= (NM_001172623.2, NM_001172624.2); c.2736C>T, p.Thr912= (NM_001419531.1).
Identifiers: ClinVar variation 3056371 (VCV003056371.2), dbSNP rs2680348, ClinGen allele CA7648286.

ClinVar aggregate classification (germline): Benign (0 of 4 stars; one submission).

Conditions:
NEO1-related disorder. Also called: NEO1-related condition.

Allele frequency attached by ClinVar (database versions not stated): gnomAD exomes 0.06626; ExAC 0.06814; 1000 Genomes Project 0.07648; 1000 Genomes Project 30x 0.08385; TOPMed 0.09347; gnomAD 0.09521; ESP Exome Variant Server 0.09846.
gnomAD v4.1: 111,194 of 1,613,996 alleles (6.9%); highest among the groups gnomAD compares: African/African-American, 17%; 4,780 homozygotes.

Submission:

PreventionGenetics, part of Exact Sciences
Classification: Benign for NEO1-related condition. Last evaluated: 2019-03-01. Review status: no assertion criteria provided. Collection method: clinical testing. Allele origin: germline.
Comment: This variant is classified as benign based on ACMG/AMP sequence variant interpretation guidelines (Richards et al. 2015 PMID: 25741868, with internal and published modifications).